The following is an entry in ClinVar:

NM_001379286.1(ZNF423):c.3850-3C>T

Gene: ZNF423 (zinc finger protein 423; minus strand). Cytogenetic location: 16q12.1.
Variant type: single nucleotide variant.
Coding change: c.3850-3C>T on transcript NM_001379286.1 (MANE Select); 3 bases into the intron before coding-DNA position 3850, C replaced by T.
Molecular consequence: intron variant.
Genome position (GRCh38, 1-based): chr16:49,491,307, G>A on the plus strand (C>T on the coding strand, the complement: ZNF423 is on the minus strand). VCF-style: chr16-49491307-G-A. GRCh37 (hg19) VCF-style: chr16-49525218-G-A.
Other names: c.3826-3C>T (NM_015069.5); c.3475-3C>T (NM_001330533.2); c.3646-3C>T (NM_001271620.2).
Identifiers: ClinVar variation 862498 (VCV000862498.10), dbSNP rs775616540, ClinGen allele CA281100042.

ClinVar aggregate classification (germline): Uncertain significance (1 of 4 stars; one submission).

Conditions:
Nephronophthisis 14 (NPHP14). Identifiers: Orphanet 2318, MedGen C3539071, MONDO:0013916, OMIM 614844.

Allele frequency attached by ClinVar (database versions not stated): gnomAD 0.00002; gnomAD exomes 0.00002; TOPMed 0.00004.
gnomAD v4.1: 14 of 1,613,882 alleles (0.00087%); highest among the groups gnomAD compares: Admixed American, 0.017%; no homozygotes.

Submission:

Labcorp Genetics (formerly Invitae), Labcorp
Classification: Uncertain significance for Nephronophthisis 14. Last evaluated: 2022-10-05. Review status: criteria provided, single submitter. Criteria: Invitae Variant Classification Sherloc (09022015). Collection method: clinical testing. Allele origin: germline.
Comment: This sequence change falls in intron 7 of the ZNF423 gene. It does not directly change the encoded amino acid sequence of the ZNF423 protein. It affects a nucleotide within the consensus splice site. In summary, the available evidence is currently insufficient to determine the role of this variant in disease. Therefore, it has been classified as a Variant of Uncertain Significance. Variants that disrupt the consensus splice site are a relatively common cause of aberrant splicing (PMID: 17576681, 9536098). Algorithms developed to predict the effect of sequence changes on RNA splicing suggest that this variant is not likely to affect RNA splicing. ClinVar contains an entry for this variant (Variation ID: 862498). This variant has not been reported in the literature in individuals affected with ZNF423-related conditions. This variant is present in population databases (rs775616540, gnomAD 0.01%).

Literature cited by the submitters: PubMed 17576681; PubMed 9536098.